The following is an entry in ClinVar:

NM_001040142.2(SCN2A):c.2548C>T (p.Arg850Ter)

Gene: SCN2A (sodium voltage-gated channel alpha subunit 2; plus strand). Cytogenetic location: 2q24.3.
Variant type: single nucleotide variant.
Coding change: c.2548C>T on transcript NM_001040142.2 (MANE Select); coding-DNA position 2548, C replaced by T.
Protein change: p.Arg850Ter; replaces arginine 850 with a stop codon.
Molecular consequence: nonsense.
Genome position (GRCh38, 1-based): chr2:165,342,455, C>T. VCF-style: chr2-165342455-C-T. GRCh37 (hg19) VCF-style: chr2-166198965-C-T.
Other names: c.2548C>T, p.Arg850Ter (NM_001040143.2, NM_001371246.1, NM_001371247.1 and 1 more transcripts); short protein forms R850*.
Identifiers: ClinVar variation 493288 (VCV000493288.60), dbSNP rs1553578503, ClinGen allele CA349012892.

ClinVar aggregate classification (germline): Pathogenic/Likely pathogenic. Review status: criteria provided, multiple submitters, no conflicts (2 of 4 stars). 7 submissions from 7 submitters: Pathogenic (6); Likely pathogenic (1). Last evaluated 2024-09-15.

Conditions:
Episodic ataxia, type 9. Identifiers: MedGen C5394520, MONDO:0030064, OMIM 618924.
Seizures, benign familial infantile, 3 (BFIS3). Also called: Familial neonatal seizures; CONVULSIONS, BENIGN FAMILIAL INFANTILE, 3. Identifiers: Orphanet 140927, Orphanet 306, MedGen C1843140, MONDO:0011904, OMIM 607745.
Developmental and epileptic encephalopathy, 11 (DEE11). Also called: Early infantile epileptic encephalopathy 11. Identifiers: Orphanet 1934, MedGen C3150987, MONDO:0013388, OMIM 613721.
Autism spectrum disorder. Also called: Autism spectrum disorders. Identifiers: MedGen C1510586, MeSH D000067877, MONDO:0005258.

Submissions (7):

GeneDx
Classification: Pathogenic. Last evaluated: 2024-09-15. Review status: criteria provided, single submitter. Criteria: GeneDx Variant Classification Process June 2021. Collection method: clinical testing. Allele origin: germline. Affected: yes.
Comment: Identified in one individual in a large cohort of patients with intellectual disability in the published literature (PMID: 26350204); Nonsense variant predicted to result in protein truncation or nonsense mediated decay in a gene for which loss of function is a known mechanism of disease; Not observed at significant frequency in large population cohorts (gnomAD); This variant is associated with the following publications: (PMID: 31440721, 33994118, 35982160, 35982159, 26350204)

Dasa
Classification: Pathogenic. Last evaluated: 2024-07-15. Review status: criteria provided, single submitter. Criteria: DASA Assertion Criteria. Collection method: clinical testing. Allele origin: germline.
Comment: NM_001040142.2(SCN2A):c.2548C>T (p.Arg850*) introduces a premature termination codon predicted to result in loss of normal protein function. Loss-of-function is an established mechanism of disease for this gene. This variant has been reported in individuals with related phenotype. The variant is present at low frequency in population datasets. Based on the available data, this variant is classified as pathogenic.

Labcorp Genetics (formerly Invitae), Labcorp
Classification: Pathogenic for Seizures, benign familial infantile, 3; Developmental and epileptic encephalopathy, 11. Last evaluated: 2024-04-25. Review status: criteria provided, single submitter. Criteria: Invitae Variant Classification Sherloc (09022015). Collection method: clinical testing. Allele origin: germline.
Comment: This sequence change creates a premature translational stop signal (p.Arg850*) in the SCN2A gene. It is expected to result in an absent or disrupted protein product. Loss-of-function variants in SCN2A are known to be pathogenic (PMID: 28379373). This variant is not present in population databases (gnomAD no frequency). This premature translational stop signal has been observed in individual(s) with intellectual disability (PMID: 26350204). ClinVar contains an entry for this variant (Variation ID: 493288). Algorithms developed to predict the effect of sequence changes on RNA splicing suggest that this variant may disrupt the consensus splice site. For these reasons, this variant has been classified as Pathogenic.

Pittsburgh Clinical Genomics Laboratory, University of Pittsburgh Medical Center
Classification: Pathogenic for Episodic ataxia, type 9. Last evaluated: 2022-12-08. Review status: criteria provided, single submitter. Criteria: ACMG Guidelines, 2015. Collection method: clinical testing. Allele origin: germline. Inheritance: Autosomal dominant inheritance. Affected: yes.
Comment: This sequence variant is a single nucleotide substitution (C>T) at coding position 2548 of the SCN2A gene that creates a premature termition sigl from an arginine codon at codon 850. As this change occurs in exon 15 of 27, this variant is predicted to generate a non-functiol allele through the expression of a truncated protein or the loss of SCN2A expression due to nonsense mediated decay. This is a previously reported variant (ClinVar) that has been observed in individuals with neurodevelopmental disorders including autism spectrum disorder and cognitive impairment (PMID: 35982159, 33004838). This variant is absent from the gnomAD population database (0 of approximately 250,000 alleles). Studies examining the functiol consequence of this variant have not been published, to our knowledge. However, loss of function is a known mechanism of disease for SCN2A (PMID: 28256214). Given this information, we consider this a pathogenic variant. ACMG Criteria: PM2, PS2, PVS1

Laboratorio de Genetica e Diagnostico Molecular, Hospital Israelita Albert Einstein
Classification: Pathogenic. Last evaluated: 2021-12-07. Review status: criteria provided, single submitter. Criteria: ACMG Guidelines, 2015. Collection method: clinical testing. Allele origin: germline. Affected: yes.
Comment: ACMG classification criteria: PVS1, PS4, PM2

Department of Genetics, Rouen University Hospital, Normandy Center for Genomic and Personalized Medicine
Classification: Pathogenic for Autism spectrum disorder. Last evaluated: 2020-09-30. Review status: criteria provided, single submitter. Criteria: ACMG Guidelines, 2015. Collection method: clinical testing. Allele origin: de novo. Affected: yes.

CeGaT Center for Human Genetics Tuebingen
Classification: Likely pathogenic. Last evaluated: 2017-07-01. Review status: criteria provided, single submitter. Criteria: CeGaT Center For Human Genetics Tuebingen Variant Classification Criteria Version 2. Collection method: clinical testing. Allele origin: germline. Affected: yes. Observed: 1 variant allele.

Literature cited by the submitters: PubMed 28379373 (cited by Labcorp Genetics (formerly Invitae), Labcorp); PubMed 26350204 (cited by Labcorp Genetics (formerly Invitae), Labcorp); PubMed 33004838 (cited by Pittsburgh Clinical Genomics Laboratory, University of Pittsburgh Medical Center); PubMed 28256214 (cited by Pittsburgh Clinical Genomics Laboratory, University of Pittsburgh Medical Center); PubMed 35982159 (cited by Pittsburgh Clinical Genomics Laboratory, University of Pittsburgh Medical Center).